The following is an entry in ClinVar:

ClinVar aggregate classification (germline): Uncertain significance (1 of 4 stars; one submission).

Conditions:
DiGeorge syndrome. Also called: Catch22; THIRD AND FOURTH PHARYNGEAL POUCH SYNDROME. Identifiers: Orphanet 567, MedGen C0012236, MONDO:0008564, OMIM 188400.

gnomAD v4.1: 10 of 1,579,710 alleles (0.00063%); highest among the groups gnomAD compares: South Asian, 0.0079%; no homozygotes.

Submission:

Labcorp Genetics (formerly Invitae), Labcorp
Classification: Uncertain significance for DiGeorge syndrome. Last evaluated: 2025-09-28. Review status: criteria provided, single submitter. Criteria: Invitae Variant Classification Sherloc (09022015). Collection method: clinical testing. Allele origin: germline.
Comment: This sequence change replaces serine, which is neutral and polar, with phenylalanine, which is neutral and non-polar, at codon 489 of the TBX1 protein (p.Ser489Phe). This variant is present in population databases (rs564141057, gnomAD 0.004%). This variant has not been reported in the literature in individuals affected with TBX1-related conditions. An algorithm developed to predict the effect of missense changes on protein structure and function (PolyPhen-2) suggests that this variant is likely to be disruptive. In summary, the available evidence is currently insufficient to determine the role of this variant in disease. Therefore, it has been classified as a Variant of Uncertain Significance.

NM_001379200.1(TBX1):c.1493C>T (p.Ser498Phe)

Gene: TBX1 (T-box transcription factor 1; plus strand). Cytogenetic location: 22q11.21.
Variant type: single nucleotide variant.
Coding change: c.1493C>T on transcript NM_001379200.1 (MANE Select); coding-DNA position 1493, C replaced by T.
Protein change: p.Ser498Phe; replaces serine 498 with phenylalanine.
Molecular consequence: missense variant. On other transcripts: intron variant (2).
Genome position (GRCh38, 1-based): chr22:19,766,845, C>T. VCF-style: chr22-19766845-C-T. GRCh37 (hg19) VCF-style: chr22-19754368-C-T.
Other names: c.1466C>T, p.Ser489Phe (NM_080647.1); c.1009+843C>T (NM_005992.1, NM_080646.2); short protein forms S498F, S489F.
Identifiers: ClinVar variation 4742596 (VCV004742596.1).
Genomic context (GRCh38, chr22:19,766,845, plus strand): 5'-CTGCCGCAGCTGCCGCGGCCGCCAACATGTACTCGTCGGCCGGAGCCGCGCCGCCCGGCT[C>T]CTACGACTATTGCCCCAGATAACACGGGCCCTGTCGCGCTCCCGCCCCGGTCCTGCACAG-3'
Protein context (NP_001366129.1, residues 488-504): YSSAGAAPPG[Ser498Phe]YDYCPR